The following is an entry in ClinVar:

NM_025137.4(SPG11):c.568T>C (p.Cys190Arg)

Gene: SPG11 (SPG11 vesicle trafficking associated, spatacsin; minus strand). Cytogenetic location: 15q21.1.
Variant type: single nucleotide variant.
Coding change: c.568T>C on transcript NM_025137.4 (MANE Select); coding-DNA position 568, T replaced by C.
Protein change: p.Cys190Arg; replaces cysteine 190 with arginine.
Molecular consequence: missense variant.
Genome position (GRCh38, 1-based): chr15:44,659,178, A>G on the plus strand (T>C on the coding strand, the complement: SPG11 is on the minus strand). VCF-style: chr15-44659178-A-G. GRCh37 (hg19) VCF-style: chr15-44951376-A-G.
Other names: c.568T>C, p.Cys190Arg (NM_001160227.2); short protein forms C190R.
Identifiers: ClinVar variation 577006 (VCV000577006.3), dbSNP rs767712066, ClinGen allele CA7535793.
Genomic context (GRCh38, chr15:44,659,178, plus strand): 5'-TGCAGAGCTGCGTGTCAATAATCATGTCCACTGCCTGTGCAGGCAAGGGAAGTGTGAAAC[A>G]GTTGAGTACTCTAATTGCAGCATCTCTTTCAGGAAATATAATATGTAGGATGACACATTT-3'
Protein context (NP_079413.3, residues 180-200): ERDAAIRVLN[Cys190Arg]FTLPLPAQAV

ClinVar aggregate classification (germline): Uncertain significance. Review status: criteria provided, multiple submitters, no conflicts (2 of 4 stars). 3 submissions from 3 submitters: Uncertain significance (3). Last evaluated 2025-04-03.

Conditions:
Inborn genetic diseases. Identifiers: MedGen C0950123, MeSH D030342.
Hereditary spastic paraplegia 11. Also called: Nakamura Osame syndrome; Autosomal recessive hereditary spastic paraplegia, mental impairment, and thin corpus callosum; SPASTIC PARAPLEGIA, AUTOSOMAL RECESSIVE, COMPLICATED, WITH THIN CORPUS CALLOSUM; SPASTIC PARAPLEGIA, AUTOSOMAL RECESSIVE, WITH MENTAL IMPAIRMENT AND THIN CORPUS CALLOSUM; Spastic paraplegia, mental retardation and thin corpus callosum; Spastic Paraplegia 11. Identifiers: Orphanet 2822, MedGen C1858479, MONDO:0011445, OMIM 604360.

Allele frequency attached by ClinVar (database versions not stated): gnomAD exomes below 0.00001; ExAC 0.00001; gnomAD 0.00001; TOPMed 0.00001.
gnomAD v4.1: 3 of 1,614,116 alleles (0.00019%); highest among the groups gnomAD compares: Admixed American, 0.0033%; no homozygotes.

Submissions (3):

Ambry Genetics
Classification: Uncertain significance for Inborn genetic diseases. Last evaluated: 2025-04-03. Review status: criteria provided, single submitter. Criteria: Ambry Variant Classification Scheme 2023. Collection method: clinical testing. Allele origin: germline.

GeneDx
Classification: Uncertain significance. Last evaluated: 2023-09-23. Review status: criteria provided, single submitter. Criteria: GeneDx Variant Classification Process June 2021. Collection method: clinical testing. Allele origin: germline. Affected: yes.
Comment: Not observed at significant frequency in large population cohorts (gnomAD); In silico analysis supports that this missense variant has a deleterious effect on protein structure/function; Has not been previously published as pathogenic or benign to our knowledge; This variant is associated with the following publications: (PMID: 26556829)

Labcorp Genetics (formerly Invitae), Labcorp
Classification: Uncertain significance for Spastic paraplegia 11, autosomal recessive. Last evaluated: 2018-01-18. Review status: criteria provided, single submitter. Criteria: Invitae Variant Classification Sherloc (09022015). Collection method: clinical testing. Allele origin: germline.
Comment: This sequence change replaces cysteine with arginine at codon 190 of the SPG11 protein (p.Cys190Arg). The cysteine residue is moderately conserved and there is a large physicochemical difference between cysteine and arginine. This variant is present in population databases (rs767712066, ExAC 0.009%). This variant has not been reported in the literature in individuals with SPG11-related disease. Algorithms developed to predict the effect of missense changes on protein structure and function do not agree on the potential impact of this missense change (SIFT: "Deleterious"; PolyPhen-2: "Probably Damaging"; Align-GVGD: "Class C0"). In summary, the available evidence is currently insufficient to determine the role of this variant in disease. Therefore, it has been classified as a Variant of Uncertain Significance.